The following is an entry in ClinVar:

ClinVar aggregate classification (germline): Conflicting classifications of pathogenicity. Review status: criteria provided, conflicting classifications (1 of 4 stars). 4 submissions from 4 submitters: Uncertain significance (1); Likely benign (2). 1 of the submissions does not count toward it. Last evaluated 2026-01-31.

Conditions:
FRAS1-related disorder. Also called: FRAS1-related condition.

Allele frequency attached by ClinVar (database versions not stated): gnomAD exomes 0.00024; ExAC 0.00029; 1000 Genomes Project 30x 0.00094; 1000 Genomes Project 0.00100; TOPMed 0.00104; gnomAD 0.00131; ESP Exome Variant Server 0.00137.
gnomAD v4.1: 294 of 1,613,336 alleles (0.018%); highest among the groups gnomAD compares: African/African-American, 0.36%; no homozygotes.

Submissions (4):

Labcorp Genetics (formerly Invitae), Labcorp
Classification: Likely benign. Last evaluated: 2026-01-31. Review status: criteria provided, single submitter. Criteria: Invitae Variant Classification Sherloc (09022015). Collection method: clinical testing. Allele origin: germline.

Mayo Clinic Laboratories, Mayo Clinic
Classification: Likely benign. Last evaluated: 2025-12-17. Review status: criteria provided, single submitter. Criteria: ACMG Guidelines, 2015. Collection method: clinical testing. Allele origin: germline. Observed: 1 variant allele.
Comment: BS1, BP4_moderate

GeneDx
Classification: Uncertain significance. Last evaluated: 2024-03-05. Review status: criteria provided, single submitter. Criteria: GeneDx Variant Classification Process June 2021. Collection method: clinical testing. Allele origin: germline. Affected: yes.
Comment: Reported with a benign FRAS1 variant (phase unknown) in a patient with focal segmental glomerulosclerosis in published literature; also observed phase unknown with other FRAS1 variants in a control sample (PMID: 31308072); In silico analysis supports that this missense variant has a deleterious effect on protein structure/function; This variant is associated with the following publications: (PMID: 31308072)

PreventionGenetics, part of Exact Sciences
Classification: Likely benign for FRAS1-related condition. Last evaluated: 2020-02-25. Review status: no assertion criteria provided. Collection method: clinical testing. Allele origin: germline. Not counted in ClinVar's aggregate classification.
Comment: This variant is classified as likely benign based on ACMG/AMP sequence variant interpretation guidelines (Richards et al. 2015 PMID: 25741868, with internal and published modifications).

Literature cited by the submitters: PubMed 31308072 (cited by Mayo Clinic Laboratories, Mayo Clinic).

NM_025074.7(FRAS1):c.10171T>C (p.Ser3391Pro)

Gene: FRAS1 (Fraser extracellular matrix complex subunit 1; plus strand). Cytogenetic location: 4q21.21.
Variant type: single nucleotide variant.
Coding change: c.10171T>C on transcript NM_025074.7 (MANE Select); coding-DNA position 10171, T replaced by C.
Protein change: p.Ser3391Pro; replaces serine 3391 with proline.
Molecular consequence: missense variant.
Genome position (GRCh38, 1-based): chr4:78,513,549, T>C. VCF-style: chr4-78513549-T-C. GRCh37 (hg19) VCF-style: chr4-79434703-T-C.
Other names: p.Ser3391Pro; short protein forms S3391P.
Identifiers: ClinVar variation 720332 (VCV000720332.14), dbSNP rs180949557, ClinGen allele CA2978874.